The following is an entry in ClinVar:

ClinVar aggregate classification (germline): Uncertain significance (1 of 4 stars; one submission).

Submission:

Labcorp Genetics (formerly Invitae), Labcorp
Classification: Uncertain significance. Last evaluated: 2024-06-21. Review status: criteria provided, single submitter. Criteria: Invitae Variant Classification Sherloc (09022015). Collection method: clinical testing. Allele origin: germline.
Comment: This sequence change replaces glycine, which is neutral and non-polar, with valine, which is neutral and non-polar, at codon 292 of the CFI protein (p.Gly292Val). This variant is not present in population databases (gnomAD no frequency). This variant has not been reported in the literature in individuals affected with CFI-related conditions. Advanced modeling of protein sequence and biophysical properties (such as structural, functional, and spatial information, amino acid conservation, physicochemical variation, residue mobility, and thermodynamic stability) performed at Invitae indicates that this missense variant is not expected to disrupt CFI protein function with a negative predictive value of 80%. In summary, the available evidence is currently insufficient to determine the role of this variant in disease. Therefore, it has been classified as a Variant of Uncertain Significance.

NM_000204.5(CFI):c.875G>T (p.Gly292Val)

Gene: CFI (complement factor I; minus strand). Cytogenetic location: 4q25.
Variant type: single nucleotide variant.
Coding change: c.875G>T on transcript NM_000204.5 (MANE Select); coding-DNA position 875, G replaced by T.
Protein change: p.Gly292Val; replaces glycine 292 with valine.
Molecular consequence: missense variant. On other transcripts: non-coding transcript variant (3).
Genome position (GRCh38, 1-based): chr4:109,760,278, C>A on the plus strand (G>T on the coding strand, the complement: CFI is on the minus strand). VCF-style: chr4-109760278-C-A. GRCh37 (hg19) VCF-style: chr4-110681434-C-A.
Other names: c.875G>T, p.Gly292Val (NM_001318057.2, NM_001331035.2, NM_001375278.1 and 5 more transcripts); c.266G>T, p.Gly89Val (NM_001375284.1); short protein forms G292V, G89V.
Identifiers: ClinVar variation 3657326 (VCV003657326.2).